The following is an entry in ClinVar:

ClinVar aggregate classification (germline): Pathogenic (1 of 4 stars; one submission).

Submission:

Labcorp Genetics (formerly Invitae), Labcorp
Classification: Pathogenic. Last evaluated: 2020-11-05. Review status: criteria provided, single submitter. Criteria: Invitae Variant Classification Sherloc (09022015). Collection method: clinical testing. Allele origin: germline.
Comment: This sequence change creates a premature translational stop signal (p.Asp568Valfs*61) in the COL2A1 gene. It is expected to result in an absent or disrupted protein product. Loss-of-function variants in COL2A1 are known to be pathogenic (PMID: 20179744). This variant is not present in population databases (ExAC no frequency). This variant has not been reported in the literature in individuals with COL2A1-related conditions. For these reasons, this variant has been classified as Pathogenic.

Literature cited by the submitters: PubMed 20179744.

NM_001844.5(COL2A1):c.1703del (p.Asp568fs)

Gene: COL2A1 (collagen type II alpha 1 chain; minus strand). Cytogenetic location: 12q13.11.
Variant type: Deletion.
Coding change: c.1703del on transcript NM_001844.5 (MANE Select); coding-DNA position 1703, one base deleted (A; older notation c.1703delA).
Protein change: p.Asp568fs; shifts the reading frame from aspartic acid 568.
Molecular consequence: frameshift variant.
Genome position (GRCh38, 1-based): chr12:47,985,565, T deleted on the plus strand (A on the coding strand, the reverse complement: COL2A1 is on the minus strand). VCF-style (leftmost placement, unchanged base first): chr12-47985564-AT-A. GRCh37 (hg19) VCF-style: chr12-48379347-AT-A.
Other names: c.1496del, p.Asp499fs (NM_033150.3); short protein forms D499fs, D568fs.
Identifiers: ClinVar variation 1452865 (VCV001452865.1), dbSNP rs2136566565, ClinGen allele CA2573148616.